The following is an entry in ClinVar:

NM_001291415.2(KDM6A):c.4249del (p.Thr1417fs)

Gene: KDM6A (lysine demethylase 6A; plus strand). Cytogenetic location: Xp11.3.
Variant type: Deletion.
Coding change: c.4249del on transcript NM_001291415.2 (MANE Select); coding-DNA position 4249, one base deleted (A; older notation c.4249delA).
Protein change: p.Thr1417fs; shifts the reading frame from threonine 1417.
Molecular consequence: frameshift variant. On other transcripts: non-coding transcript variant (1).
Genome position (GRCh38, 1-based): chrX:45,110,166, A deleted; the last of 5 consecutive A bases (chrX:45,110,162-45,110,166); deleting any one gives the same sequence. VCF-style (leftmost placement, unchanged base first): chrX-45110161-GA-G. GRCh37 (hg19) VCF-style: chrX-44969406-GA-G.
Other names: c.4114del, p.Thr1372fs (NM_001291416.2); c.3958del, p.Thr1320fs (NM_001291417.2); c.3856del, p.Thr1286fs (NM_001291418.2); c.3205del, p.Thr1069fs (NM_001291421.2); c.3991del, p.Thr1331fs (NM_001410742.1); c.4357del, p.Thr1453fs (NM_001419809.1); c.4255del, p.Thr1419fs (NM_001419810.1); c.4222del, p.Thr1408fs (NM_001419811.1); and 5 more; short protein forms T1069fs, T1286fs, T1320fs, T1322fs, T1331fs, T1365fs, T1367fs, T1372fs.
Identifiers: ClinVar variation 4856081 (VCV004856081.1).

ClinVar aggregate classification (germline): Likely pathogenic (1 of 4 stars; one submission).

Conditions:
Kabuki syndrome 2 (KABUK2). Also called: KDM6A-Related Kabuki Syndrome. Identifiers: Orphanet 2322, MedGen C3275495, MONDO:0010465, OMIM 300867.

Submission:

3billion
Classification: Likely pathogenic for Kabuki syndrome 2. Last evaluated: 2025-07-08. Review status: criteria provided, single submitter. Criteria: ACMG Guidelines, 2015. Collection method: clinical testing. Allele origin: germline. Affected: yes.
Comment: The variant is not observed in the gnomAD v4.1.0 dataset. Predicted Consequence/Location: Frameshift: predicted to result in a loss or disruption of normal protein function through nonsense-mediated decay (NMD) or protein truncation. Multiple pathogenic variants are reported downstream of the variant. Therefore, this variant is classified as Likely pathogenic according to the recommendation of ACMG/AMP guideline.